The following is an entry in ClinVar:

ClinVar aggregate classification (germline): Uncertain significance (1 of 4 stars; one submission).

Submission:

GeneDx
Classification: Uncertain significance. Last evaluated: 2025-07-14. Review status: criteria provided, single submitter. Criteria: GeneDx Variant Classification Process June 2021. Collection method: clinical testing. Allele origin: germline. Affected: yes.
Comment: Not observed at significant frequency in large population cohorts (gnomAD); In silico analysis supports that this missense variant has a deleterious effect on protein structure/function; Has not been previously published as pathogenic or benign to our knowledge

NM_170606.3(KMT2C):c.1265T>A (p.Met422Lys)

Gene: KMT2C (lysine methyltransferase 2C; minus strand). Cytogenetic location: 7q36.1.
Variant type: single nucleotide variant.
Coding change: c.1265T>A on transcript NM_170606.3 (MANE Select); coding-DNA position 1265, T replaced by A.
Protein change: p.Met422Lys; replaces methionine 422 with lysine.
Molecular consequence: missense variant.
Genome position (GRCh38, 1-based): chr7:152,263,050, A>T on the plus strand (T>A on the coding strand, the complement: KMT2C is on the minus strand). VCF-style: chr7-152263050-A-T. GRCh37 (hg19) VCF-style: chr7-151960135-A-T.
Other names: short protein forms M422K.
Identifiers: ClinVar variation 4686275 (VCV004686275.1).